The following is an entry in ClinVar:

NM_003242.6(TGFBR2):c.190C>A (p.Gln64Lys)

Gene: TGFBR2 (transforming growth factor beta receptor 2; plus strand). Cytogenetic location: 3p24.1.
Variant type: single nucleotide variant.
Coding change: c.190C>A on transcript NM_003242.6 (MANE Select); coding-DNA position 190, C replaced by A.
Protein change: p.Gln64Lys; replaces glutamine 64 with lysine.
Molecular consequence: missense variant. On other transcripts: intron variant (2).
Genome position (GRCh38, 1-based): chr3:30,644,842, C>A. VCF-style: chr3-30644842-C-A. GRCh37 (hg19) VCF-style: chr3-30686334-C-A.
Other names: c.169+21569C>A (NM_001407137.1); c.95-26796C>A (NM_001407138.1); c.265C>A, p.Gln89Lys (NM_001024847.3, NM_001407126.1, NM_001407139.1); c.190C>A, p.Gln64Lys (NM_001407127.1, NM_001407130.1); c.217C>A, p.Gln73Lys (NM_001407128.1); c.85C>A, p.Gln29Lys (NM_001407129.1, NM_001407132.1, NM_001407133.1 and 3 more transcripts); short protein forms Q29K, Q64K, Q73K, Q89K.
Identifiers: ClinVar variation 3069839 (VCV003069839.1), dbSNP rs2470510179, ClinGen allele CA351806505.

ClinVar aggregate classification (germline): Uncertain significance (1 of 4 stars; one submission).

Conditions:
Loeys-Dietz syndrome 2 (LDS2). Also called: AORTIC ANEURYSM, FAMILIAL THORACIC 3; MARFAN SYNDROME, TYPE II; Marfan syndrome, type 2 (formerly); TGFBR2-Related Loeys-Dietz Syndrome; Marfan Syndrome type 2; Marfan like connective tissue disorder. Identifiers: Orphanet 284973, Orphanet 558, MedGen C2674574, MONDO:0012427, OMIM 610168.

Submission:

All of Us Research Program, National Institutes of Health
Classification: Uncertain significance for Loeys-Dietz syndrome 2. Last evaluated: 2023-03-09. Review status: criteria provided, single submitter. Criteria: ACMG Guidelines, 2015. Collection method: clinical testing. Allele origin: germline. Inheritance: Autosomal dominant inheritance. Observed: 1 variant allele, 1 heterozygote.
Comment: This missense variant replaces glutamine with lysine at codon 64 of the TGFBR2 protein. Computational prediction suggests that this variant may not impact protein structure and function (internally defined REVEL score threshold <= 0.5, PMID: 27666373). To our knowledge, functional studies have not been reported for this variant. This variant has not been reported in individuals affected with TGFBR2-related disorders in the literature. This variant has not been identified in the general population by the Genome Aggregation Database (gnomAD). The available evidence is insufficient to determine the role of this variant in disease conclusively. Therefore, this variant is classified as a Variant of Uncertain Significance.

This study involves interpretation of variants in research participants for the purpose of population health screening. Participant phenotype was not available at the time of variant classification. Additional details can be found in publication PMID: 35346344, PMCID: PMC8962531